The following is an entry in ClinVar:

ClinVar aggregate classification (germline): Uncertain significance. Review status: criteria provided, multiple submitters, no conflicts (2 of 4 stars). 2 submissions from 2 submitters: Uncertain significance (2). Last evaluated 2024-02-24.

Conditions:
Alstrom syndrome (ALMS). Identifiers: Orphanet 64, MedGen C0268425, MONDO:0008763, OMIM 203800.
ALMS1-related disorder. Also called: ALMS1-related condition.

Submissions (2):

Labcorp Genetics (formerly Invitae), Labcorp
Classification: Uncertain significance for Alstrom syndrome. Last evaluated: 2024-02-24. Review status: criteria provided, single submitter. Criteria: Invitae Variant Classification Sherloc (09022015). Collection method: clinical testing. Allele origin: germline.
Comment: This variant, c.78_83dup, results in the insertion of 2 amino acid(s) of the ALMS1 protein (p.Glu28_Glu29dup), but otherwise preserves the integrity of the reading frame. This variant is not present in population databases (gnomAD no frequency). This variant has not been reported in the literature in individuals affected with ALMS1-related conditions. ClinVar contains an entry for this variant (Variation ID: 1489662). Experimental studies and prediction algorithms are not available or were not evaluated, and the functional significance of this variant is currently unknown. In summary, the available evidence is currently insufficient to determine the role of this variant in disease. Therefore, it has been classified as a Variant of Uncertain Significance.

PreventionGenetics, part of Exact Sciences
Classification: Uncertain significance for ALMS1-related condition. Last evaluated: 2023-08-01. Review status: criteria provided, single submitter. Criteria: ACMG Guidelines, 2015. Collection method: clinical testing. Allele origin: germline.
Comment: The ALMS1 c.74_75insGGAAGA variant is predicted to result in an in-frame amino acid insertion (p.Glu27_Glu28dup). To our knowledge, this variant has not been reported in the literature or in a large population database, indicating this variant is rare. At this time, the clinical significance of this variant is uncertain due to the absence of conclusive functional and genetic evidence.

NM_001378454.1(ALMS1):c.75_80dup (p.Glu27_Glu28dup)

Gene: ALMS1 (ALMS1 centrosome and basal body associated protein; plus strand). Cytogenetic location: 2p13.1.
Variant type: Duplication.
Coding change: c.75_80dup on transcript NM_001378454.1 (MANE Select); coding-DNA positions 75 to 80, 6 bases duplicated (AGAGGA; older notation c.75_80dupAGAGGA).
Protein change: p.Glu27_Glu28dup.
Molecular consequence: inframe insertion.
Genome position (GRCh38, 1-based): chr2:73,385,943-73,385,948, AGAGGA duplicated; duplicating any 6 consecutive bases within chr2:73,385,938-73,385,948 gives the same sequence; the c. name uses the placement nearest the transcript's 3' end. VCF-style (leftmost placement, unchanged base first): chr2-73385937-G-GGAGGAA. GRCh37 (hg19) VCF-style: chr2-73613065-G-GGAGGAA.
Other names: c.74_75insGGAAGA (NM_015120.4); c.78_83dup, p.Glu28_Glu29dup (NM_015120.4).
Identifiers: ClinVar variation 1489662 (VCV001489662.6), dbSNP rs754175473, ClinGen allele CA2573135738.